The following is an entry in ClinVar:

NM_000334.4(SCN4A):c.499A>G (p.Ile167Val)

Gene: SCN4A (sodium voltage-gated channel alpha subunit 4; minus strand). Cytogenetic location: 17q23.3.
Variant type: single nucleotide variant.
Coding change: c.499A>G on transcript NM_000334.4 (MANE Select); coding-DNA position 499, A replaced by G.
Protein change: p.Ile167Val; replaces isoleucine 167 with valine.
Molecular consequence: missense variant.
Genome position (GRCh38, 1-based): chr17:63,971,834, T>C on the plus strand (A>G on the coding strand, the complement: SCN4A is on the minus strand). VCF-style: chr17-63971834-T-C. GRCh37 (hg19) VCF-style: chr17-62049194-T-C.
Other names: short protein forms I167V.
Identifiers: ClinVar variation 4975598 (VCV004975598.1).
Genomic context (GRCh38, chr17:63,971,834, plus strand): 5'-TGAAGTCGTCGACACAGAAGCCTCGGGCCAGTATCTTGATGAGGGACTCAAAGGTGTAGA[T>C]CCCTGTGAAGGTGTACCTGGGGGGGAGAGGGCCGGCCGGGACAGGCATGTCACCTGGGTA-3'
Protein context (NP_000325.4, residues 157-177): SKNVEYTFTG[Ile167Val]YTFESLIKIL

ClinVar aggregate classification (germline): Uncertain significance (1 of 4 stars; one submission).

Submission:

GeneDx
Classification: Uncertain significance. Last evaluated: 2026-02-02. Review status: criteria provided, single submitter. Criteria: GeneDx Variant Classification Process June 2021. Collection method: clinical testing. Allele origin: germline.
Comment: Not observed at significant frequency in large population cohorts (gnomAD); In silico analysis suggests that this missense variant does not alter protein structure/function; Has not been previously published as pathogenic or benign to our knowledge